The following is an entry in ClinVar:

NM_002485.5(NBN):c.845T>C (p.Ile282Thr)

Gene: NBN (nibrin; minus strand). Cytogenetic location: 8q21.3.
Variant type: single nucleotide variant.
Coding change: c.845T>C on transcript NM_002485.5 (MANE Select); coding-DNA position 845, T replaced by C.
Protein change: p.Ile282Thr; replaces isoleucine 282 with threonine.
Molecular consequence: missense variant.
Genome position (GRCh38, 1-based): chr8:89,970,415, A>G on the plus strand (T>C on the coding strand, the complement: NBN is on the minus strand). VCF-style: chr8-89970415-A-G. GRCh37 (hg19) VCF-style: chr8-90982643-A-G.
Other names: c.599T>C, p.Ile200Thr (NM_001024688.3); short protein forms I282T, I200T.
Identifiers: ClinVar variation 185976 (VCV000185976.5), dbSNP rs786202604, ClinGen allele CA193540.
Genomic context (GRCh38, chr8:89,970,415, plus strand): 5'-ATTCTATACCTTTGGAGCATATCCATTATTGACTGAATCCATTTCTTCTGACAGTCAGGA[A>G]TTAAGGTCTGTGAGTTTGTTATTCCTGTATCAACAACACACGTTCCCGGAGCCAAAAAGA-3'
Protein context (NP_002476.2, residues 272-292): DTGITNSQTL[Ile282Thr]PDCQKKWIQS

ClinVar aggregate classification (germline): Uncertain significance (1 of 4 stars; one submission).

Conditions:
Hereditary cancer-predisposing syndrome. Also called: Hereditary neoplastic syndrome; Neoplastic Syndromes, Hereditary; Tumor predisposition; Hereditary Cancer Syndrome. Identifiers: Orphanet 140162, MedGen C0027672, MeSH D009386, MONDO:0015356.

Submission:

Ambry Genetics
Classification: Uncertain significance for Hereditary cancer-predisposing syndrome. Last evaluated: 2014-09-13. Review status: criteria provided, single submitter. Criteria: Ambry Variant Classification Scheme 2023. Collection method: clinical testing. Allele origin: germline.
Comment: The p.I282T variant (also known as c.845T>C), located in coding exon 7 of the NBN gene, results from a T to C substitution at nucleotide position 845. The isoleucine at codon 282 is replaced by threonine, an amino acid with similar properties. This variant was not reported in population based cohorts in the following databases: Database of Single Nucleotide Polymorphisms (dbSNP), NHLBI Exome Sequencing Project (ESP), and 1000 Genomes Project. In the ESP, this variant was not observed in 6503 samples (13006 alleles) with coverage at this position. To date, this alteration has been detected with an allele frequency of approximately 0.005% (greater than 22,000 alleles tested) in our clinical cohort (includes this individual). Based on protein sequence alignment, this amino acid position is poorly conserved in lower vertebrate species. In addition, this alteration is predicted to be tolerated by in silico analysis. Since supporting evidence is limited at this time, the clinical significance of p.I282T remains unclear.